The following is an entry in ClinVar:

ClinVar aggregate classification (germline): Uncertain significance. Review status: criteria provided, multiple submitters, no conflicts (2 of 4 stars). 4 submissions from 4 submitters: Uncertain significance (4). Last evaluated 2024-05-22.

Conditions:
Hereditary nonpolyposis colorectal neoplasms. Identifiers: MedGen C0009405, MeSH D003123.
Hereditary cancer-predisposing syndrome. Also called: Hereditary neoplastic syndrome; Tumor predisposition; Neoplastic Syndromes, Hereditary; Hereditary Cancer Syndrome. Identifiers: Orphanet 140162, MedGen C0027672, MeSH D009386, MONDO:0015356.

Allele frequency attached by ClinVar (database versions not stated): gnomAD exomes 0.00001; TOPMed 0.00001; ESP Exome Variant Server 0.00008.
gnomAD v4.1: 11 of 1,614,216 alleles (0.00068%); highest among the groups gnomAD compares: Non-Finnish European, 0.00085%; no homozygotes.

Submissions (4):

Ambry Genetics
Classification: Uncertain significance for Hereditary cancer-predisposing syndrome. Last evaluated: 2024-05-22. Review status: criteria provided, single submitter. Criteria: Ambry Variant Classification Scheme 2023. Collection method: clinical testing. Allele origin: germline.
Comment: The p.K295E variant (also known as c.883A>G), located in coding exon 4 of the MSH6 gene, results from an A to G substitution at nucleotide position 883. The lysine at codon 295 is replaced by glutamic acid, an amino acid with similar properties. This amino acid position is highly conserved in available vertebrate species. In addition, the in silico prediction for this alteration is inconclusive. Based on the available evidence, the clinical significance of this variant remains unclear.

Color Diagnostics, LLC DBA Color Health
Classification: Uncertain significance for Hereditary cancer-predisposing syndrome. Last evaluated: 2024-03-26. Review status: criteria provided, single submitter. Criteria: ACMG Guidelines, 2015. Collection method: clinical testing. Allele origin: germline.
Comment: This missense variant replaces lysine with glutamic acid at codon 295 of the MSH6 protein. Computational prediction is inconclusive regarding the impact of this variant on protein structure and function (internally defined REVEL score threshold 0.5 < inconclusive < 0.7, PMID: 27666373). To our knowledge, functional studies have not been reported for this variant. This variant has not been reported in individuals affected with MSH6-related disorders in the literature. This variant has not been identified in the general population by the Genome Aggregation Database (gnomAD). The available evidence is insufficient to determine the role of this variant in disease conclusively. Therefore, this variant is classified as a Variant of Uncertain Significance.

Labcorp Genetics (formerly Invitae), Labcorp
Classification: Uncertain significance for Hereditary nonpolyposis colorectal neoplasms. Last evaluated: 2022-08-15. Review status: criteria provided, single submitter. Criteria: Invitae Variant Classification Sherloc (09022015). Collection method: clinical testing. Allele origin: germline.
Comment: This sequence change replaces lysine, which is basic and polar, with glutamic acid, which is acidic and polar, at codon 295 of the MSH6 protein (p.Lys295Glu). This variant is not present in population databases (gnomAD no frequency). This variant has not been reported in the literature in individuals affected with MSH6-related conditions. ClinVar contains an entry for this variant (Variation ID: 419786). Advanced modeling of protein sequence and biophysical properties (such as structural, functional, and spatial information, amino acid conservation, physicochemical variation, residue mobility, and thermodynamic stability) performed at Invitae indicates that this missense variant is not expected to disrupt MSH6 protein function. In summary, the available evidence is currently insufficient to determine the role of this variant in disease. Therefore, it has been classified as a Variant of Uncertain Significance.

GeneDx
Classification: Uncertain significance. Last evaluated: 2015-09-08. Review status: criteria provided, single submitter. Criteria: GeneDx Variant Classification (06012015). Collection method: clinical testing. Allele origin: germline. Affected: yes.
Comment: This variant is denoted MSH6 c.883A>G at the cDNA level, p.Lys295Glu (K295E) at the protein level, and results in the change of a Lysine to a Glutamic Acid (AAA>GAA). This variant has not, to our knowledge, been published in the literature as pathogenic or benign. MSH6 Lys295Glu was not observed at a significant allele frequency in the NHLBI Exome Sequencing Project. Since Lysine and Glutamic Acid differ in polarity, charge, size or other properties, this is considered a non-conservative amino acid substitution. MSH6 Lys295Glu occurs at a position where amino acids with properties similar to Lysine are tolerated across species and is not located in a known functional domain (Terui 2013, UniProt). In silico analyses are inconsistent regarding the effect this variant may have on protein structure and function. Based on currently available information, it is unclear whether MSH6 Lys295Glu is pathogenic or benign. We consider it to be a variant of uncertain significance.

NM_000179.3(MSH6):c.883A>G (p.Lys295Glu)

Gene: MSH6 (mutS homolog 6; plus strand). Cytogenetic location: 2p16.3.
Variant type: single nucleotide variant.
Coding change: c.883A>G on transcript NM_000179.3 (MANE Select); coding-DNA position 883, A replaced by G.
Protein change: p.Lys295Glu; replaces lysine 295 with glutamic acid.
Molecular consequence: missense variant. On other transcripts: 5 prime UTR variant (2).
Genome position (GRCh38, 1-based): chr2:47,798,866, A>G. VCF-style: chr2-47798866-A-G. GRCh37 (hg19) VCF-style: chr2-48026005-A-G.
Other names: c.493A>G, p.Lys165Glu (NM_001281492.2); c.-24A>G (NM_001281493.2, NM_001281494.2); short protein forms K295E, K165E.
Identifiers: ClinVar variation 419786 (VCV000419786.12), dbSNP rs373958499, ClinGen allele CA16617639.